The following is an entry in ClinVar:

ClinVar aggregate classification (germline): Uncertain significance (1 of 4 stars; one submission).

Allele frequency attached by ClinVar (database versions not stated): gnomAD exomes 0.00001; TOPMed below 0.00001; gnomAD 0.00001.
gnomAD v4.1: 14 of 1,612,616 alleles (0.00087%); highest among the groups gnomAD compares: South Asian, 0.0022%; no homozygotes.

Submission:

Labcorp Genetics (formerly Invitae), Labcorp
Classification: Uncertain significance. Last evaluated: 2025-10-15. Review status: criteria provided, single submitter. Criteria: Invitae Variant Classification Sherloc (09022015). Collection method: clinical testing. Allele origin: germline.
Comment: This sequence change replaces arginine, which is basic and polar, with histidine, which is basic and polar, at codon 755 of the AP3D1 protein (p.Arg755His). This variant is present in population databases (no rsID available, gnomAD 0.003%). This variant has not been reported in the literature in individuals affected with AP3D1-related conditions. ClinVar contains an entry for this variant (Variation ID: 2724651). An algorithm developed to predict the effect of missense changes on protein structure and function (PolyPhen-2) suggests that this variant is likely to be tolerated. In summary, the available evidence is currently insufficient to determine the role of this variant in disease. Therefore, it has been classified as a Variant of Uncertain Significance.

NM_001261826.3(AP3D1):c.2264G>A (p.Arg755His)

Gene: AP3D1 (adaptor related protein complex 3 subunit delta 1; minus strand). Cytogenetic location: 19p13.3.
Variant type: single nucleotide variant.
Coding change: c.2264G>A on transcript NM_001261826.3 (MANE Select); coding-DNA position 2264, G replaced by A.
Protein change: p.Arg755His; replaces arginine 755 with histidine.
Molecular consequence: missense variant.
Genome position (GRCh38, 1-based): chr19:2,115,304, C>T on the plus strand (G>A on the coding strand, the complement: AP3D1 is on the minus strand). VCF-style: chr19-2115304-C-T. GRCh37 (hg19) VCF-style: chr19-2115303-C-T.
Other names: c.2264G>A, p.Arg755His (NM_001374799.1, NM_003938.8); short protein forms R755H.
Identifiers: ClinVar variation 2724651 (VCV002724651.3), dbSNP rs1350753833, ClinGen allele CA403212898.